The following is an entry in ClinVar:

ClinVar aggregate classification (germline): Benign/Likely benign. Review status: criteria provided, multiple submitters, no conflicts (2 of 4 stars). 5 submissions from 5 submitters: Benign (1); Likely benign (3). 1 of the submissions does not count toward it. Last evaluated 2024-12-03.

Conditions:
ALG13-related disorder. Also called: ALG13-related condition.

Allele frequency attached by ClinVar (database versions not stated): gnomAD exomes 0.00022 and 0.00050; TOPMed 0.00024; 1000 Genomes Project 0.00026; ExAC 0.00059; gnomAD 0.00017; 1000 Genomes Project 30x 0.00021.
gnomAD v4.1: 252 of 1,116,005 alleles (0.023%); highest among the groups gnomAD compares: Non-Finnish European, 0.0065%; no homozygotes.

Submissions (6):

Athena Diagnostics
Classification: Benign. Last evaluated: 2024-12-03. Review status: criteria provided, single submitter. Criteria: Athena Diagnostics Criteria. Collection method: clinical testing. Allele origin: unknown.
Comment: The frequency of this variant in the general population is higher than would generally be expected for pathogenic variants in this gene.

Blueprint Genetics
Classification: Likely benign. Last evaluated: 2024-04-04. Review status: criteria provided, single submitter. Criteria: ACMG Guidelines, 2015. Collection method: clinical testing. Allele origin: germline.

CeGaT Center for Human Genetics Tuebingen
Classification: Likely benign. Last evaluated: 2020-09-01. Review status: criteria provided, single submitter. Criteria: CeGaT Center For Human Genetics Tuebingen Variant Classification Criteria Version 2. Collection method: clinical testing. Allele origin: germline. Affected: yes. Observed: 1 variant allele.

GeneDx
Classification: Likely benign. Last evaluated: 2016-10-21. Review status: criteria provided, single submitter. Criteria: GeneDx Variant Classification (06012015). Collection method: clinical testing. Allele origin: germline. Affected: yes.
Comment: This variant is considered likely benign or benign based on one or more of the following criteria: it is a conservative change, it occurs at a poorly conserved position in the protein, it is predicted to be benign by multiple in silico algorithms, and/or has population frequency not consistent with disease.

PreventionGenetics, part of Exact Sciences
Classification: Likely benign for ALG13-related condition. Last evaluated: 2020-06-02. Review status: no assertion criteria provided. Collection method: clinical testing. Allele origin: germline. Not counted in ClinVar's aggregate classification.
Comment: This variant is classified as likely benign based on ACMG/AMP sequence variant interpretation guidelines (Richards et al. 2015 PMID: 25741868, with internal and published modifications).

Dr. Peter K. Rogan Lab, Western University
No classification provided (evidence only). Condition: Ovarian serous cystadenocarcinoma. Review status: no classification provided. Collection method: in vitro. Allele origin: not applicable. Functional consequence: retained intron. Not counted in ClinVar's aggregate classification.

NM_001099922.3(ALG13):c.383+1033G>A

Gene: ALG13 (ALG13 UDP-N-acetylglucosaminyltransferase subunit; plus strand). Cytogenetic location: Xq23.
Variant type: single nucleotide variant.
Coding change: c.383+1033G>A on transcript NM_001099922.3 (MANE Select); 1033 bases into the intron after coding-DNA position 383, G replaced by A.
Molecular consequence: intron variant. On other transcripts: splice acceptor variant (1).
Genome position (GRCh38, 1-based): chrX:111,686,136, G>A. VCF-style: chrX-111686136-G-A. GRCh37 (hg19) VCF-style: chrX-110929364-G-A.
Other names: NC_000023.10:g.110929364G>A; c.71+1033G>A (NM_001257237.2, NM_001324293.1, NM_001257234.2 and 6 more transcripts); c.149+1033G>A (NM_001257231.2, NM_001257241.3); c.383+1033G>A (NM_001324292.2, NM_018466.6); c.389+1033G>A (NM_001324290.2); c.384-1G>A (NM_001168385.3, NM_001168385.2); c.324+1033G>A (NM_001039210.5).
Identifiers: ClinVar variation 385290 (VCV000385290.43), dbSNP rs772039609, ClinGen allele CA10493498.
Genomic context (GRCh38, chrX:111,686,136, plus strand): 5'-CAACAGGAACTGATCATCGTAATAGAAGGATGAAGAAAATTACTTGTTTGTTTTCTATTA[G>A]TTCTTCCTTGAGACACTAGAAGCTTGCCAAAGGGCCAGGTCAGTAATTCCCACTTGTTTG-3'